The following is an entry in ClinVar:

ClinVar aggregate classification (germline): Uncertain significance (1 of 4 stars; one submission).

Conditions:
Inborn genetic diseases. Identifiers: MedGen C0950123, MeSH D030342.

Submission:

Ambry Genetics
Classification: Uncertain significance for Inborn genetic diseases. Last evaluated: 2026-07-02. Review status: criteria provided, single submitter. Criteria: Ambry Variant Classification Scheme 2023. Collection method: clinical testing. Allele origin: germline.
Comment: The p.A64P variant (also known as c.190G>C), located in coding exon 1 of the GATA2 gene, results from a G to C substitution at nucleotide position 190. The alanine at codon 64 is replaced by proline, an amino acid with highly similar properties. This amino acid position is conserved. In addition, this alteration is predicted to be deleterious by in silico analysis. Based on the available evidence, the clinical significance of this variant remains unclear.

NM_032638.5(GATA2):c.190G>C (p.Ala64Pro)

Gene: GATA2 (GATA binding protein 2; minus strand). Cytogenetic location: 3q21.3.
Variant type: single nucleotide variant.
Coding change: c.190G>C on transcript NM_032638.5 (MANE Select); coding-DNA position 190, G replaced by C.
Protein change: p.Ala64Pro; replaces alanine 64 with proline.
Molecular consequence: missense variant.
Genome position (GRCh38, 1-based): chr3:128,486,842, C>G on the plus strand (G>C on the coding strand, the complement: GATA2 is on the minus strand). VCF-style: chr3-128486842-C-G. GRCh37 (hg19) VCF-style: chr3-128205685-C-G.
Other names: c.190G>C, p.Ala64Pro (NM_001145661.2, NM_001145662.1); short protein forms A64P.
Identifiers: ClinVar variation 5022181 (VCV005022181.1).
Genomic context (GRCh38, chr3:128,486,842, plus strand): 5'-CACCACGGGCCCAGTGCTCACCGTGCGCGGGGCTGTAGGAGACGCGCGCCCGCGCGTGAG[C>G]GGGGTTGGCATAGTAGGGGTTGCCCTGCGAGTCGAGGTGATTGAAGAAGACGTCCACCTC-3'
Protein context (NP_116027.2, residues 54-74): SQGNPYYANP[Ala64Pro]HARARVSYSP